The following is an entry in ClinVar:

ClinVar aggregate classification (germline): Uncertain significance. Review status: criteria provided, multiple submitters, no conflicts (2 of 4 stars). 2 submissions from 2 submitters: Uncertain significance (2). Last evaluated 2025-07-15.

Conditions:
Inborn genetic diseases. Identifiers: MedGen C0950123, MeSH D030342.

Allele frequency attached by ClinVar (database versions not stated): gnomAD 0.00001; TOPMed 0.00002; ExAC 0.00006; gnomAD exomes 0.00006.
gnomAD v4.1: 63 of 1,613,886 alleles (0.0039%); highest among the groups gnomAD compares: Admixed American, 0.01%; no homozygotes.

Submissions (2):

Labcorp Genetics (formerly Invitae), Labcorp
Classification: Uncertain significance. Last evaluated: 2025-07-15. Review status: criteria provided, single submitter. Criteria: Invitae Variant Classification Sherloc (09022015). Collection method: clinical testing. Allele origin: germline.
Comment: This sequence change replaces arginine, which is basic and polar, with histidine, which is basic and polar, at codon 814 of the POLR1A protein (p.Arg814His). This variant is present in population databases (rs763230193, gnomAD 0.01%). This variant has not been reported in the literature in individuals affected with POLR1A-related conditions. ClinVar contains an entry for this variant (Variation ID: 1433295). Invitae Evidence Modeling of protein sequence and biophysical properties (such as structural, functional, and spatial information, amino acid conservation, physicochemical variation, residue mobility, and thermodynamic stability) indicates that this missense variant is not expected to disrupt POLR1A protein function with a negative predictive value of 80%. In summary, the available evidence is currently insufficient to determine the role of this variant in disease. Therefore, it has been classified as a Variant of Uncertain Significance.

Ambry Genetics
Classification: Uncertain significance for Inborn genetic diseases. Last evaluated: 2023-12-20. Review status: criteria provided, single submitter. Criteria: Ambry Variant Classification Scheme 2023. Collection method: clinical testing. Allele origin: germline.

NM_015425.6(POLR1A):c.2441G>A (p.Arg814His)

Gene: POLR1A (RNA polymerase I subunit A; minus strand). Cytogenetic location: 2p11.2.
Variant type: single nucleotide variant.
Coding change: c.2441G>A on transcript NM_015425.6 (MANE Select); coding-DNA position 2441, G replaced by A.
Protein change: p.Arg814His; replaces arginine 814 with histidine.
Molecular consequence: missense variant.
Genome position (GRCh38, 1-based): chr2:86,049,194, C>T on the plus strand (G>A on the coding strand, the complement: POLR1A is on the minus strand). VCF-style: chr2-86049194-C-T. GRCh37 (hg19) VCF-style: chr2-86276317-C-T.
Other names: c.2441G>A (NM_015425.3); short protein forms R814H.
Identifiers: ClinVar variation 1433295 (VCV001433295.7), dbSNP rs763230193, ClinGen allele CA1746063.
Genomic context (GRCh38, chr2:86,049,194, plus strand): 5'-GCCACGGCCTCGAAGTCCCTCCTTACCTGGGGCCCGCAGTGGGTGGATTCTTCAATGATA[C>T]GTTGCCTCTTGACATCTGCCTTTGGCTTCACCAAAATGTCTTCCACGCCTGTGAAGTGAA-3'
Protein context (NP_056240.2, residues 804-824): VKPKADVKRQ[Arg814His]IIEESTHCGP